The following is an entry in ClinVar:

ClinVar aggregate classification (germline): Likely pathogenic (1 of 4 stars; one submission).

Conditions:
Developmental and epileptic encephalopathy, 77. Also called: GLYCOSYLPHOSPHATIDYLINOSITOL BIOSYNTHESIS DEFECT 19; MULTIPLE CONGENITAL ANOMALIES-HYPOTONIA-SEIZURES SYNDROME 4; EPILEPTIC ENCEPHALOPATHY, EARLY INFANTILE, 77. Identifiers: MedGen C5231405, MONDO:0032808, OMIM 618548.

Submission:

Juno Genomics, Hangzhou Juno Genomics, Inc
Classification: Likely pathogenic for Developmental and epileptic encephalopathy, 77. Review status: criteria provided, single submitter. Criteria: ACMG Guidelines, 2015. Collection method: clinical testing. Allele origin: germline.
Comment: Absent from controls (or at extremely low frequency if recessive) in Genome Aggregation Database.;Null variant in a gene where loss of function (LOF) is a known mechanism of disease.

NM_004204.5(PIGQ):c.337C>T (p.Gln113Ter)

Gene: PIGQ (phosphatidylinositol glycan anchor biosynthesis class Q; plus strand). Cytogenetic location: 16p13.3.
Variant type: single nucleotide variant.
Coding change: c.337C>T on transcript NM_004204.5 (MANE Select); coding-DNA position 337, C replaced by T.
Protein change: p.Gln113Ter; replaces glutamine 113 with a stop codon.
Molecular consequence: nonsense.
Genome position (GRCh38, 1-based): chr16:574,411, C>T. VCF-style: chr16-574411-C-T. GRCh37 (hg19) VCF-style: chr16-624411-C-T.
Other names: c.337C>T, p.Gln113Ter (NM_148920.4); short protein forms Q113*.
Identifiers: ClinVar variation 5019582 (VCV005019582.2).
Genomic context (GRCh38, chr16:574,411, plus strand): 5'-TGGCTGCGGCTGTGCCGGGAGAGAGGCGGCACGTTCTGGAGCTGCGAGGCCACCCACCGG[C>T]AAGCGCCCACTGCCCCCGGTGCCCCTGGTGAGGACCAGGTCATGCTCATCTTCTATGACC-3'